The following is an entry in ClinVar:

NM_001130004.2(ACTN1):c.758A>T (p.Gln253Leu)

Gene: ACTN1 (actinin alpha 1; minus strand). Cytogenetic location: 14q24.1.
Variant type: single nucleotide variant.
Coding change: c.758A>T on transcript NM_001130004.2 (MANE Select); coding-DNA position 758, A replaced by T.
Protein change: p.Gln253Leu; replaces glutamine 253 with leucine.
Molecular consequence: missense variant. On other transcripts: 5 prime UTR variant (1).
Genome position (GRCh38, 1-based): chr14:68,902,481, T>A on the plus strand (A>T on the coding strand, the complement: ACTN1 is on the minus strand). VCF-style: chr14-68902481-T-A. GRCh37 (hg19) VCF-style: chr14-69369198-T-A.
Other names: c.758A>T, p.Gln253Leu (NM_001424023.1, NM_001424024.1, NM_001424025.1 and 9 more transcripts); c.563A>T, p.Gln188Leu (NM_001424026.1, NM_001424028.1, NM_001411036.1); c.-153A>T (NM_001424030.1); c.884A>T, p.Gln295Leu (NM_001424013.1); c.845A>T, p.Gln282Leu (NM_001424015.1); c.755A>T, p.Gln252Leu (NM_001424017.1); c.695A>T, p.Gln232Leu (NM_001424018.1, NM_001424020.1, NM_001424022.1); c.689A>T, p.Gln230Leu (NM_001424021.1); short protein forms Q188L, Q230L, Q232L, Q252L, Q253L, Q282L, Q295L.
Identifiers: ClinVar variation 2635193 (VCV002635193.1), dbSNP rs2503690635, ClinGen allele CA390189938.

ClinVar aggregate classification (germline): Uncertain significance (1 of 4 stars; one submission).

Conditions:
ACTN1-related disorder. Also called: ACTN1-related condition.

Submission:

PreventionGenetics, part of Exact Sciences
Classification: Uncertain significance for ACTN1-related condition. Last evaluated: 2022-12-10. Review status: criteria provided, single submitter. Criteria: ACMG Guidelines, 2015. Collection method: clinical testing. Allele origin: germline.
Comment: The ACTN1 c.758A>T variant is predicted to result in the amino acid substitution p.Gln253Leu. To our knowledge, this variant has not been reported in the literature or in a large population database, indicating this variant is rare. At this time, the clinical significance of this variant is uncertain due to the absence of conclusive functional and genetic evidence.